The following is an entry in ClinVar:

ClinVar aggregate classification (germline): Uncertain significance (1 of 4 stars; one submission).

Conditions:
Hereditary cancer-predisposing syndrome. Also called: Tumor predisposition; Neoplastic Syndromes, Hereditary; Hereditary Cancer Syndrome; Hereditary neoplastic syndrome. Identifiers: Orphanet 140162, MedGen C0027672, MeSH D009386, MONDO:0015356.

Submission:

Ambry Genetics
Classification: Uncertain significance for Hereditary cancer-predisposing syndrome. Last evaluated: 2025-02-10. Review status: criteria provided, single submitter. Criteria: Ambry Variant Classification Scheme 2023. Collection method: clinical testing. Allele origin: germline.
Comment: The p.C912* variant (also known as c.2736C>A), located in coding exon 11 of the MET gene, results from a C to A substitution at nucleotide position 2736. This changes the amino acid from a cysteine to a stop codon within coding exon 11. This alteration is expected to result in protein truncation or nonsense-mediated mRNA decay. However, loss of function of MET has not been established as a mechanism of disease. Based on the available evidence, the clinical significance of this alteration remains unclear.

NM_000245.4(MET):c.2682C>A (p.Cys894Ter)

Gene: MET (MET proto-oncogene, receptor tyrosine kinase; plus strand). Cytogenetic location: 7q31.2.
Variant type: single nucleotide variant.
Coding change: c.2682C>A on transcript NM_000245.4 (MANE Select); coding-DNA position 2682, C replaced by A.
Protein change: p.Cys894Ter; replaces cysteine 894 with a stop codon.
Molecular consequence: nonsense.
Genome position (GRCh38, 1-based): chr7:116,769,743, C>A. VCF-style: chr7-116769743-C-A. GRCh37 (hg19) VCF-style: chr7-116409797-C-A.
Other names: c.2736C>A, p.Cys912Ter (NM_001127500.3); c.2682C>A, p.Cys894Ter (NM_001324401.3); c.1392C>A, p.Cys464Ter (NM_001324402.2); short protein forms C894*, C464*, C912*.
Identifiers: ClinVar variation 3872322 (VCV003872322.1).